The following is an entry in ClinVar:

ClinVar aggregate classification (germline): Uncertain significance (1 of 4 stars; one submission).

Conditions:
POLD1-related polyposis and colorectal cancer syndrome (CRCS10). Also called: Colorectal cancer 10; COLORECTAL CANCER, SUSCEPTIBILITY TO, ON CHROMOSOME 19q; Colorectal cancer, susceptibility to, 10. Identifiers: Orphanet 220460, MedGen C2675481, MONDO:0012953, OMIM 612591.

Submission:

Labcorp Genetics (formerly Invitae), Labcorp
Classification: Uncertain significance for POLD1-related polyposis and colorectal cancer syndrome. Last evaluated: 2023-07-07. Review status: criteria provided, single submitter. Criteria: Invitae Variant Classification Sherloc (09022015). Collection method: clinical testing. Allele origin: germline.
Comment: In summary, the available evidence is currently insufficient to determine the role of this variant in disease. Therefore, it has been classified as a Variant of Uncertain Significance. Advanced modeling of protein sequence and biophysical properties (such as structural, functional, and spatial information, amino acid conservation, physicochemical variation, residue mobility, and thermodynamic stability) performed at Invitae indicates that this missense variant is not expected to disrupt POLD1 protein function. ClinVar contains an entry for this variant (Variation ID: 2011718). This variant has not been reported in the literature in individuals affected with POLD1-related conditions. This variant is not present in population databases (gnomAD no frequency). This sequence change replaces isoleucine, which is neutral and non-polar, with leucine, which is neutral and non-polar, at codon 252 of the POLD1 protein (p.Ile252Leu).

NM_002691.4(POLD1):c.754A>C (p.Ile252Leu)

Gene: POLD1 (DNA polymerase delta 1, catalytic subunit; plus strand). Cytogenetic location: 19q13.33.
Variant type: single nucleotide variant.
Coding change: c.754A>C on transcript NM_002691.4 (MANE Select); coding-DNA position 754, A replaced by C.
Protein change: p.Ile252Leu; replaces isoleucine 252 with leucine.
Molecular consequence: missense variant. On other transcripts: non-coding transcript variant (1).
Genome position (GRCh38, 1-based): chr19:50,402,369, A>C. VCF-style: chr19-50402369-A-C. GRCh37 (hg19) VCF-style: chr19-50905626-A-C.
Other names: c.754A>C, p.Ile252Leu (NM_001256849.1, NM_001308632.1); short protein forms I252L.
Identifiers: ClinVar variation 2011718 (VCV002011718.4), dbSNP rs2513964788, ClinGen allele CA406974672.
Genomic context (GRCh38, chr19:50,402,369, plus strand): 5'-CGTGTGGCAGGCCTGGGCACGCCCAGCTTCGCGCCCTACGAGGCCAACGTCGACTTTGAG[A>C]TCCGGTACGGCCTCTGCCTCACTTCTCCGGCCTCTATCCCCACCCTCGGGCAGCCCCTGT-3'
Protein context (NP_002682.2, residues 242-262): APYEANVDFE[Ile252Leu]RFMVDTDIVG